The following is an entry in ClinVar:

NM_016816.4(OAS1):c.484G>A (p.Gly162Ser)

Gene: OAS1 (2'-5'-oligoadenylate synthetase 1; plus strand). Cytogenetic location: 12q24.13.
Variant type: single nucleotide variant.
Coding change: c.484G>A on transcript NM_016816.4 (MANE Select); coding-DNA position 484, G replaced by A.
Protein change: p.Gly162Ser; replaces glycine 162 with serine.
Molecular consequence: missense variant.
Genome position (GRCh38, 1-based): chr12:112,911,065, G>A. VCF-style: chr12-112911065-G-A. GRCh37 (hg19) VCF-style: chr12-113348870-G-A.
Other names: S162G; c.484G>A, p.Gly162Ser (NM_001032409.3, NM_001320151.2, NM_002534.4); c.484G>A (NM_001032409.2); short protein forms G162S.
Identifiers: ClinVar variation 13985 (VCV000013985.18), dbSNP rs1131454, ClinGen allele CA123666.

ClinVar aggregate classification (germline): Benign. Review status: criteria provided, multiple submitters, no conflicts (2 of 4 stars). 8 submissions from 8 submitters: Benign (6). 2 of the submissions do not count toward it. Last evaluated 2026-02-04.

Conditions:
OAS1-related disorder. Also called: OAS1-related condition.
OAS1 polymorphism.

Allele frequency attached by ClinVar (database versions not stated): TOPMed 0.47210; 1000 Genomes Project 0.47384; gnomAD 0.47874 and 0.48565; ExAC 0.56278; gnomAD exomes 0.56897 and 0.56946; 1000 Genomes Project 30x 0.46877.
gnomAD v4.1: 902,450 of 1,612,274 alleles (56%); highest among the groups gnomAD compares: Admixed American, 67%; 259,474 homozygotes.

Submissions (8):

Labcorp Genetics (formerly Invitae), Labcorp
Classification: Benign. Last evaluated: 2026-02-04. Review status: criteria provided, single submitter. Criteria: Invitae Variant Classification Sherloc (09022015). Collection method: clinical testing. Allele origin: germline.

Women's Health and Genetics/Laboratory Corporation of America, LabCorp
Classification: Benign. Last evaluated: 2026-01-21. Review status: criteria provided, single submitter. Criteria: LabCorp Variant Classification Summary - May 2015. Collection method: clinical testing. Allele origin: germline.

Unidad de Genómica Garrahan, Hospital de Pediatría Garrahan
Classification: Benign. Last evaluated: 2024-01-24. Review status: criteria provided, single submitter. Criteria: ACMG Guidelines, 2015. Collection method: clinical testing. Allele origin: germline. Affected: no. Observed: 83 variant alleles.
Comment: This variant is classified as Benign based on local population frequency. This variant was detected in 87% of patients studied by a panel of primary immunodeficiencies. Number of patients: 83. Only high quality variants are reported.

Mayo Clinic Laboratories, Mayo Clinic
Classification: Benign. Last evaluated: 2023-08-10. Review status: criteria provided, single submitter. Criteria: ACMG Guidelines, 2015. Collection method: clinical testing. Allele origin: germline. Observed: 359 variant alleles.
Comment: BA1, BS2, BP4

GeneDx
Classification: Benign. Last evaluated: 2021-05-04. Review status: criteria provided, single submitter. Criteria: GeneDx Variant Classification Process June 2021. Collection method: clinical testing. Allele origin: germline. Affected: yes.
Comment: This variant is associated with the following publications: (PMID: 16014697)

Breakthrough Genomics
Classification: Benign. Review status: criteria provided, single submitter. Criteria: ACMG Guidelines, 2015. Collection method: not provided. Allele origin: germline. Inheritance: Autosomal dominant inheritance. Affected: yes.

PreventionGenetics, part of Exact Sciences
Classification: Benign for OAS1-related condition. Last evaluated: 2019-05-17. Review status: no assertion criteria provided. Collection method: clinical testing. Allele origin: germline. Not counted in ClinVar's aggregate classification.
Comment: This variant is classified as benign based on ACMG/AMP sequence variant interpretation guidelines (Richards et al. 2015 PMID: 25741868, with internal and published modifications).

OMIM
Classification: Uncertain significance for RECLASSIFIED - VARIANT OF UNKNOWN SIGNIFICANCE. Last evaluated: 2006-02-01. Review status: no assertion criteria provided. Collection method: literature only. Allele origin: germline. Not counted in ClinVar's aggregate classification.

Literature cited by the submitters: Hamosh, A. Personal Communication. 2018. Baltimore, Md. (cited by OMIM); PubMed 16014697 (cited by OMIM).